The following is an entry in ClinVar:

ClinVar aggregate classification (germline): Uncertain significance (1 of 4 stars; one submission).

Submission:

Labcorp Genetics (formerly Invitae), Labcorp
Classification: Uncertain significance. Last evaluated: 2025-07-09. Review status: criteria provided, single submitter. Criteria: Invitae Variant Classification Sherloc (09022015). Collection method: clinical testing. Allele origin: germline.
Comment: This sequence change replaces glutamic acid, which is acidic and polar, with aspartic acid, which is acidic and polar, at codon 376 of the ALPK3 protein (p.Glu376Asp). This variant is not present in population databases (gnomAD no frequency). This variant has not been reported in the literature in individuals affected with ALPK3-related conditions. ClinVar contains an entry for this variant (Variation ID: 3667333). Invitae Evidence Modeling of protein sequence and biophysical properties (such as structural, functional, and spatial information, amino acid conservation, physicochemical variation, residue mobility, and thermodynamic stability) indicates that this missense variant is expected to disrupt ALPK3 protein function with a positive predictive value of 80%. In summary, the available evidence is currently insufficient to determine the role of this variant in disease. Therefore, it has been classified as a Variant of Uncertain Significance.

NM_020778.5(ALPK3):c.522G>C (p.Glu174Asp)

Gene: ALPK3 (alpha kinase 3; plus strand). Cytogenetic location: 15q25.3.
Variant type: single nucleotide variant.
Coding change: c.522G>C on transcript NM_020778.5 (MANE Select); coding-DNA position 522, G replaced by C.
Protein change: p.Glu174Asp; replaces glutamic acid 174 with aspartic acid.
Molecular consequence: missense variant.
Genome position (GRCh38, 1-based): chr15:84,839,801, G>C. VCF-style: chr15-84839801-G-C. GRCh37 (hg19) VCF-style: chr15-85383032-G-C.
Other names: short protein forms E174D.
Identifiers: ClinVar variation 3667333 (VCV003667333.2).